The following is an entry in ClinVar:

ClinVar aggregate classification (germline): Pathogenic. Review status: criteria provided, multiple submitters, no conflicts (2 of 4 stars). 6 submissions from 6 submitters: Pathogenic (4). 2 of the submissions do not count toward it. Last evaluated 2025-03-22.

Conditions:
Inborn genetic diseases. Identifiers: MedGen C0950123, MeSH D030342.
Ocular cystinosis. Also called: Non-Nephropathic (Ocular) Cystinosis; Non-Nephropathic Cystinosis. Identifiers: Orphanet 213, Orphanet 411641, MedGen C2931013, MONDO:0009064, OMIM 219750.
Juvenile nephropathic cystinosis. Also called: Later-Onset (Juvenile) Cystinosis; Intermediate Cystinosis; CYSTINOSIS, LATE-ONSET JUVENILE OR ADOLESCENT NEPHROPATHIC TYPE. Identifiers: Orphanet 213, Orphanet 411634, MedGen C0268626, MONDO:0009066, OMIM 219900.
Nephropathic cystinosis (CTNS). Also called: Abderhalden Lignac Kaufmann disease; Abderhalden-Kaufmann-Lignac syndrome; CYSTINOSIN, DEFECT OF; LYSOSOMAL CYSTINE TRANSPORT PROTEIN, DEFECT OF. Identifiers: Orphanet 213, Orphanet 411629, MedGen C2931187, MONDO:0100151, OMIM 219800.
Cystinosis. Also called: Cystine diathesis; Cystine storage disease; Cystinoses. Identifiers: Orphanet 213, MedGen C4316899, MONDO:0016239.
CTNS-related disorder. Also called: CTNS-related condition.

Allele frequency attached by ClinVar (database versions not stated): gnomAD exomes below 0.00001; gnomAD 0.00001; TOPMed 0.00001.

Submissions (6):

Labcorp Genetics (formerly Invitae), Labcorp
Classification: Pathogenic for Inborn genetic diseases; Ocular cystinosis; Juvenile nephropathic cystinosis. Last evaluated: 2025-03-22. Review status: criteria provided, single submitter. Criteria: Invitae Variant Classification Sherloc (09022015). Collection method: clinical testing. Allele origin: germline.
Comment: This sequence change creates a premature translational stop signal (p.Ile69Argfs*5) in the CTNS gene. It is expected to result in an absent or disrupted protein product. Loss-of-function variants in CTNS are known to be pathogenic (PMID: 9537412, 27102039). This variant is not present in population databases (gnomAD no frequency). This premature translational stop signal has been observed in individual(s) with cystinosis (PMID: 10625078). ClinVar contains an entry for this variant (Variation ID: 455787). Algorithms developed to predict the effect of sequence changes on RNA splicing suggest that this variant may disrupt the consensus splice site. For these reasons, this variant has been classified as Pathogenic.

Fulgent Genetics
Classification: Pathogenic for Ocular cystinosis; Nephropathic cystinosis; Juvenile nephropathic cystinosis. Last evaluated: 2023-12-29. Review status: criteria provided, single submitter. Criteria: ACMG Guidelines, 2015. Collection method: clinical testing. Allele origin: germline.

Baylor Genetics
Classification: Pathogenic for Nephropathic cystinosis. Last evaluated: 2022-06-02. Review status: criteria provided, single submitter. Criteria: ACMG Guidelines, 2015. Collection method: clinical testing. Allele origin: unknown.

Women's Health and Genetics/Laboratory Corporation of America, LabCorp
Classification: Pathogenic for Cystinosis. Last evaluated: 2021-03-30. Review status: criteria provided, single submitter. Criteria: LabCorp Variant Classification Summary - May 2015. Collection method: clinical testing. Allele origin: germline.
Comment: Variant summary: CTNS c.206_210delTCCTT (p.Ile69ArgfsX5) results in a premature termination codon, predicted to cause a truncation of the encoded protein or absence of the protein due to nonsense mediated decay, which are commonly known mechanisms for disease. Truncations downstream of this position have been classified as pathogenic by our laboratory. The variant was absent in 251456 control chromosomes. c.206_210delTCCTT has been reported as a homozygous mutation in at least one individual affected with Cystinosis (e.g. Shotelersuk_1998). These data indicate that the variant may be associated with disease. Fibroblasts from this patient were assessed as having higher levels of intracellular cystine compared to normal controls (e.g. Vitcitsky_2010). One other clinical diagnostic laboratory has submitted clinical-significance assessments for this variant to ClinVar after 2014 and cited the variant as pathogenic. Based on the evidence outlined above, the variant was classified as pathogenic.

PreventionGenetics, part of Exact Sciences
Classification: Pathogenic for CTNS-related condition. Last evaluated: 2024-05-29. Review status: no assertion criteria provided. Collection method: clinical testing. Allele origin: germline. Not counted in ClinVar's aggregate classification.
Comment: The CTNS c.206_210del5 variant is predicted to result in a frameshift and premature protein termination (p.Ile69Argfs*5). This variant has been reported in the hemizygous and compound heterozygous states in two individuals with cystinosis (Shotelersuk et al. 1998. PubMed ID: 9792862 with genotype corrected in Zykovich et al. 2015. PubMed ID: 28649545; Anikster et al. 1999. PubMed ID: 10625078). In vitro functional studies using cultured patient fibroblasts hemizygous for the p.Ile69Argfs*5 variant (with a 57 kb deletion of CTNS exons 1-10 on the opposite allele) detected an approximately 10X increase of intracellular cysteine in patient fibroblasts relative to wild type (Vitvitsky et al. 2010. PubMed ID: 20061170 with genotype corrected in Zykovich et al. 2015. PubMed ID: 28649545). This variant has not been reported in the gnomAD database, indicating this variant is rare. Frameshift variants in CTNS are expected to be pathogenic. This variant is interpreted as pathogenic.

OMIM
Classification: Pathogenic for CYSTINOSIS, NEPHROPATHIC. Last evaluated: 1998-11-01. Review status: no assertion criteria provided. Collection method: literature only. Allele origin: germline. Not counted in ClinVar's aggregate classification.

Literature cited by the submitters: PubMed 9537412 (cited by Labcorp Genetics (formerly Invitae), Labcorp); PubMed 27102039 (cited by Labcorp Genetics (formerly Invitae), Labcorp); PubMed 10625078 (cited by Labcorp Genetics (formerly Invitae), Labcorp and Women's Health and Genetics/Laboratory Corporation of America, LabCorp); PubMed 9792862 (cited by Women's Health and Genetics/Laboratory Corporation of America, LabCorp and OMIM); PubMed 30554218 (cited by Women's Health and Genetics/Laboratory Corporation of America, LabCorp); PubMed 20061170 (cited by Women's Health and Genetics/Laboratory Corporation of America, LabCorp).

NM_004937.3(CTNS):c.206_210del (p.Ile69fs)

Gene: CTNS (cystinosin, lysosomal cystine transporter; plus strand). Cytogenetic location: 17p13.2.
Variant type: Deletion.
Coding change: c.206_210del on transcript NM_004937.3 (MANE Select); coding-DNA positions 206 to 210, 5 bases deleted (TCCTT; older notation c.206_210delTCCTT).
Protein change: p.Ile69fs; shifts the reading frame from isoleucine 69.
Molecular consequence: frameshift variant. On other transcripts: 5 prime UTR variant (1), intron variant (3).
Genome position (GRCh38, 1-based): chr17:3,648,912-3,648,916, TCCTT deleted. VCF-style (leftmost placement, unchanged base first): chr17-3648911-ATCCTT-A. GRCh37 (hg19) VCF-style: chr17-3552205-ATCCTT-A.
Other names: c.206_210del (NM_004937.2); c.206_210del, p.Ile69fs (NM_001031681.3, NM_001374492.1); c.-236_-232del (NM_001374494.1); c.-217+1390_-217+1394del (NM_001374493.1, NM_001374496.1); c.-216-6086_-216-6082del (NM_001374495.1); c.206_210del5 (NM_001031681.2); short protein forms I69fs.
Identifiers: ClinVar variation 455787 (VCV000455787.17), dbSNP rs879758262, ClinGen allele CA287009070.
Genomic context (GRCh38, chr17:3,648,911, plus strand): 5'-CCATTAAATGCAACCCTGGTGATCACTTTTGAAATCACATTTCGTTCCAAAAATATTACT[ATCCTT>A]GAGCTCCCCGATGAAGTAAGTAACCAATCTTAACGGATGGGTAGGGAAATGCTAGGTAAC-3'